The following is an entry in ClinVar:

NM_000552.5(VWF):c.2686G>T (p.Asp896Tyr)

Gene: VWF (von Willebrand factor; minus strand). Cytogenetic location: 12p13.31.
Variant type: single nucleotide variant.
Coding change: c.2686G>T on transcript NM_000552.5 (MANE Select); coding-DNA position 2686, G replaced by T.
Protein change: p.Asp896Tyr; replaces aspartic acid 896 with tyrosine.
Molecular consequence: missense variant.
Genome position (GRCh38, 1-based): chr12:6,031,578, C>A on the plus strand (G>T on the coding strand, the complement: VWF is on the minus strand). VCF-style: chr12-6031578-C-A. GRCh37 (hg19) VCF-style: chr12-6140744-C-A.
Other names: short protein forms D896Y.
Identifiers: ClinVar variation 3344208 (VCV003344208.1).
Genomic context (GRCh38, chr12:6,031,578, plus strand): 5'-GGCTGCATCCCTTATTCCCCACTAGGATCCGAAAGGTCCCAGGGTTACTGCCGCAGTAAT[C>A]CTGGGGAAAGAGGAGTGCCAGGAGAAGACCATTATCCCCACTGGCTCTCACCAGACCAGA-3'
Protein context (NP_000543.3, residues 886-906): PGECQYVLVQ[Asp896Tyr]YCGSNPGTFR

ClinVar aggregate classification (germline): Uncertain significance (0 of 4 stars; one submission).

Conditions:
VWF-related disorder. Also called: VWF-related disorders; VWF-related condition.

gnomAD v4.1: 1 of 1,613,966 alleles (0.000062%); highest among the groups gnomAD compares: Non-Finnish European, 0.000085%; no homozygotes.

Submission:

PreventionGenetics, part of Exact Sciences
Classification: Uncertain significance for VWF-related condition. Last evaluated: 2024-04-25. Review status: no assertion criteria provided. Collection method: clinical testing. Allele origin: germline.
Comment: The VWF c.2686G>T variant is predicted to result in the amino acid substitution p.Asp896Tyr. This variant was reported along with a premature termination variant (p.Arg34*) in an individual with Von Willebrand disease type 3, although phase was not determined (Kakela et al. 2006. PubMed ID: 16321553). This variant has not been reported in gnomAD, indicating this variant is rare. At this time, the clinical significance of this variant is uncertain due to the absence of conclusive functional and genetic evidence.